The following is an entry in ClinVar:

NM_004994.3(MMP9):c.997+5C>T

Gene: MMP9 (matrix metallopeptidase 9; plus strand). Cytogenetic location: 20q13.12.
Variant type: single nucleotide variant.
Coding change: c.997+5C>T on transcript NM_004994.3 (MANE Select); 5 bases into the intron after coding-DNA position 997, C replaced by T.
Molecular consequence: intron variant.
Genome position (GRCh38, 1-based): chr20:46,011,752, C>T. VCF-style: chr20-46011752-C-T. GRCh37 (hg19) VCF-style: chr20-44640391-C-T.
Identifiers: ClinVar variation 338553 (VCV000338553.15), dbSNP rs3918254, ClinGen allele CA9886583.

ClinVar aggregate classification (germline): Benign. Review status: criteria provided, multiple submitters, no conflicts (2 of 4 stars). 4 submissions from 4 submitters: Benign (4). Last evaluated 2026-02-01.

Conditions:
Metaphyseal anadysplasia 2 (MANDP2). Also called: Metaphyseal anadysplasia 2, autosomal recessive. Identifiers: Orphanet 1040, MedGen C2751322, MONDO:0013113, OMIM 613073.

Allele frequency attached by ClinVar (database versions not stated): ESP Exome Variant Server 0.02276; gnomAD 0.02618 and 0.02829; gnomAD exomes 0.02978; TOPMed 0.03139; ExAC 0.03330; 1000 Genomes Project 30x 0.07058; 1000 Genomes Project 0.07089.
gnomAD v4.1: 20,700 of 1,609,020 alleles (1.3%); highest among the groups gnomAD compares: East Asian, 20%; 1,269 homozygotes.

Submissions (4):

Labcorp Genetics (formerly Invitae), Labcorp
Classification: Benign. Last evaluated: 2026-02-01. Review status: criteria provided, single submitter. Criteria: Invitae Variant Classification Sherloc (09022015). Collection method: clinical testing. Allele origin: germline.

GeneDx
Classification: Benign. Last evaluated: 2019-03-06. Review status: criteria provided, single submitter. Criteria: GeneDx Variant Classification Process June 2021. Collection method: clinical testing. Allele origin: germline. Affected: yes.

Illumina Laboratory Services, Illumina
Classification: Benign for Metaphyseal anadysplasia 2. Last evaluated: 2018-01-12. Review status: criteria provided, single submitter. Criteria: ICSL Variant Classification Criteria 13 December 2019. Collection method: clinical testing. Allele origin: germline.
Comment: This variant was observed in the ICSL laboratory as part of a predisposition screen in an ostensibly healthy population. It had not been previously curated by ICSL or reported in the Human Gene Mutation Database (HGMD: prior to June 1st, 2018), and was therefore a candidate for classification through an automated scoring system. Utilizing variant allele frequency, disease prevalence and penetrance estimates, and inheritance mode, an automated score was calculated to assess if this variant is too frequent to cause the disease. Based on the score and internal cut-off values, a variant classified as benign is not then subjected to further curation. The score for this variant resulted in a classification of benign for this disease.

Breakthrough Genomics
Classification: Benign. Review status: criteria provided, single submitter. Criteria: ACMG Guidelines, 2015. Collection method: not provided. Allele origin: germline. Inheritance: Autosomal recessive inheritance. Affected: yes.